The following is an entry in ClinVar:

ClinVar aggregate classification (germline): Uncertain significance. Review status: criteria provided, multiple submitters, no conflicts (2 of 4 stars). 4 submissions from 4 submitters: Uncertain significance (2). 2 of the submissions do not count toward it. Last evaluated 2022-03-18.

Conditions:
Retinal dystrophy. Also called: Inherited retinal dystrophy. Identifiers: Orphanet 71862, MedGen C0854723, MeSH D058499, MONDO:0019118, HP:0000556.
Retinitis pigmentosa (RP). Identifiers: Orphanet 791, MedGen C0035334, MeSH D012174, MONDO:0019200, OMIM 268000. Inheritance: Autosomal dominant, autosomal recessive and X linked inheritance.

Allele frequency attached by ClinVar (database versions not stated): TOPMed below 0.00001; gnomAD 0.00001; gnomAD exomes 0.00001 and 0.00002; ExAC 0.00002.
gnomAD v4.1: 17 of 1,613,976 alleles (0.0011%); highest among the groups gnomAD compares: Admixed American, 0.0033%; no homozygotes.

Submissions (4):

Labcorp Genetics (formerly Invitae), Labcorp
Classification: Uncertain significance. Last evaluated: 2022-03-18. Review status: criteria provided, single submitter. Criteria: Invitae Variant Classification Sherloc (09022015). Collection method: clinical testing. Allele origin: germline.
Comment: This sequence change replaces serine, which is neutral and polar, with arginine, which is basic and polar, at codon 195 of the EYS protein (p.Ser195Arg). This variant is present in population databases (rs753945993, gnomAD 0.03%). This variant has not been reported in the literature in individuals affected with EYS-related conditions. ClinVar contains an entry for this variant (Variation ID: 910000). Algorithms developed to predict the effect of missense changes on protein structure and function (SIFT, PolyPhen-2, Align-GVGD) all suggest that this variant is likely to be tolerated. In summary, the available evidence is currently insufficient to determine the role of this variant in disease. Therefore, it has been classified as a Variant of Uncertain Significance.

Illumina Laboratory Services, Illumina
Classification: Uncertain significance for Retinitis pigmentosa. Last evaluated: 2018-01-13. Review status: criteria provided, single submitter. Criteria: ICSL Variant Classification Criteria 13 December 2019. Collection method: clinical testing. Allele origin: germline.

Institute of Human Genetics, Univ. Regensburg, Univ. Regensburg
Classification: Uncertain significance for Retinal dystrophy. Last evaluated: 2019-01-01. Review status: no assertion criteria provided. Criteria: ACMG Guidelines, 2015. Collection method: clinical testing. Allele origin: germline. Affected: yes. Not counted in ClinVar's aggregate classification.

Department of Pathology and Laboratory Medicine, Sinai Health System
Classification: Uncertain significance. Review status: no assertion criteria provided. Collection method: clinical testing. Allele origin: unknown. Affected: yes. Study: The Canadian Open Genetics Repository (COGR). Not counted in ClinVar's aggregate classification.
Comment: The EYS p.Ser195Arg variant was not identified in the literature nor was it identified in ClinVar, Cosmic or LOVD 3.0. The variant was identified in dbSNP (ID: rs753945993) and was also found in control databases in 6 of 251178 chromosomes at a frequency of 0.000024 (Genome Aggregation Database Feb 27, 2017). The variant was observed in the following populations: Ashkenazi Jewish in 4 of 10074 chromosomes (freq: 0.000397) and Latino in 2 of 34554 chromosomes (freq: 0.000058), while the variant was not observed in the African, East Asian, European (Finnish), European (non-Finnish), Other and South Asian populations. The variant occurs outside of the splicing consensus sequence and in silico or computational prediction software programs (SpliceSiteFinder, MaxEntScan, NNSPLICE, GeneSplicer) do not predict a difference in splicing. The p.Ser195 residue is not conserved in mammals and computational analyses (PolyPhen-2, SIFT, AlignGVGD, BLOSUM, MutationTaster) provide inconsistent predictions regarding the impact to the protein; this information is not very predictive of pathogenicity. In summary, based on the above information the clinical significance of this variant cannot be determined with certainty at this time. This variant is classified as a variant of uncertain significance.

NM_001142800.2(EYS):c.583A>C (p.Ser195Arg)

Gene: EYS (EGF-like photoreceptor maintenance factor; minus strand). Cytogenetic location: 6q12.
Variant type: single nucleotide variant.
Coding change: c.583A>C on transcript NM_001142800.2 (MANE Select); coding-DNA position 583, A replaced by C.
Protein change: p.Ser195Arg; replaces serine 195 with arginine.
Molecular consequence: missense variant.
Genome position (GRCh38, 1-based): chr6:65,494,828, T>G on the plus strand (A>C on the coding strand, the complement: EYS is on the minus strand). VCF-style: chr6-65494828-T-G. GRCh37 (hg19) VCF-style: chr6-66204721-T-G.
Other names: c.583A>C, p.Ser195Arg (NM_001142801.2, NM_001292009.2, NM_198283.2); short protein forms S195R.
Identifiers: ClinVar variation 910000 (VCV000910000.7), dbSNP rs753945993, ClinGen allele CA3878055.
Genomic context (GRCh38, chr6:65,494,828, plus strand): 5'-CAAGTTCCTGGCAGTATTTTCCAGAAAATGGAGGCTGGCAATGGCAGCTATATGTCTTGC[T>G]CCAAGCTTCACTAAGACATTTACCATGACCAGAGCAAAATTCTGAACTCAGAGATTCCTG-3'
Protein context (NP_001136272.1, residues 185-205): GHGKCLSEAW[Ser195Arg]KTYSCHCQPP